The following is an entry in ClinVar:

NM_000243.3(MEFV):c.589G>C (p.Gly197Arg)

Gene: MEFV (MEFV innate immunity regulator, pyrin; minus strand). Cytogenetic location: 16p13.3.
Variant type: single nucleotide variant.
Coding change: c.589G>C on transcript NM_000243.3 (MANE Select); coding-DNA position 589, G replaced by C.
Protein change: p.Gly197Arg; replaces glycine 197 with arginine.
Molecular consequence: missense variant. On other transcripts: intron variant (1).
Genome position (GRCh38, 1-based): chr16:3,254,479, C>G on the plus strand (G>C on the coding strand, the complement: MEFV is on the minus strand). VCF-style: chr16-3254479-C-G. GRCh37 (hg19) VCF-style: chr16-3304479-C-G.
Other names: c.277+1832G>C (NM_001198536.2); c.589G>C (NM_000243.2); short protein forms G197R.
Identifiers: ClinVar variation 803190 (VCV000803190.4), dbSNP rs765450054, ClinGen allele CA276902575.

ClinVar aggregate classification (germline): Uncertain significance. Review status: criteria provided, multiple submitters, no conflicts (2 of 4 stars). 2 submissions from 2 submitters: Uncertain significance (2). Last evaluated 2025-04-21.

Conditions:
Familial Mediterranean fever (FMF). Also called: POLYSEROSITIS, FAMILIAL PAROXYSMAL; POLYSEROSITIS, RECURRENT; Periodic peritonitis; Benign paroxysmal peritonitis. Identifiers: Orphanet 342, MedGen C0031069, MONDO:0018088, OMIM 249100. Disease mechanism: gain of function.

Allele frequency attached by ClinVar (database versions not stated): TOPMed below 0.00001; gnomAD 0.00001.
gnomAD v4.1: 1 of 1,591,970 alleles (0.000063%); highest among the groups gnomAD compares: African/African-American, 0.0013%; no homozygotes.

Submissions (2):

Women's Health and Genetics/Laboratory Corporation of America, LabCorp
Classification: Uncertain significance. Last evaluated: 2025-04-21. Review status: criteria provided, single submitter. Criteria: LabCorp Variant Classification Summary - May 2015. Collection method: clinical testing. Allele origin: germline.
Comment: Variant summary: MEFV c.589G>C (p.Gly197Arg) results in a non-conservative amino acid change in the encoded protein sequence. Four of five in-silico tools predict a benign effect of the variant on protein function. The frequency data for this variant in gnomAD is considered unreliable, as metrics indicate poor data quality at this position. c.589G>C has been observed in the literature in individuals affected with inflammatory diseases (Kirino_2013, Oztuzcu_2014). These report(s) do not provide unequivocal conclusions about association of the variant with Familial Mediterranean Fever. To our knowledge, no experimental evidence demonstrating an impact on protein function has been reported. The following publications have been ascertained in the context of this evaluation (PMID: 24469716, 23633568). ClinVar contains an entry for this variant (Variation ID: 803190). Based on the evidence outlined above, the variant was classified as uncertain significance.

Mendelics
Classification: Uncertain significance for Familial Mediterranean fever. Last evaluated: 2019-05-28. Review status: criteria provided, single submitter. Criteria: Mendelics Assertion Criteria 2017. Collection method: clinical testing. Allele origin: unknown.

Literature cited by the submitters: PubMed 24469716 (cited by Women's Health and Genetics/Laboratory Corporation of America, LabCorp); PubMed 23633568 (cited by Women's Health and Genetics/Laboratory Corporation of America, LabCorp).